The following is an entry in ClinVar:

ClinVar aggregate classification (germline): Uncertain significance. Review status: criteria provided, multiple submitters, no conflicts (2 of 4 stars). 4 submissions from 4 submitters: Uncertain significance (4). Last evaluated 2025-11-20.

Conditions:
Joubert syndrome 23 (JBTS23). Identifiers: Orphanet 475, MedGen C4084822, MONDO:0014664, OMIM 616490.
Short-rib thoracic dysplasia 14 with polydactyly (SRTD14). Identifiers: Orphanet 397715, MedGen C4225286, MONDO:0014688, OMIM 616546.
KIAA0586-related disorder. Also called: KIAA0586- Related disorders; KIAA0586-related condition.
Inborn genetic diseases. Identifiers: MedGen C0950123, MeSH D030342.

Allele frequency attached by ClinVar (database versions not stated): ExAC 0.00009; ESP Exome Variant Server 0.00017; TOPMed 0.00036; 1000 Genomes Project 0.00060; 1000 Genomes Project 30x 0.00062.
gnomAD v4.1: 94 of 1,609,218 alleles (0.0058%); highest among the groups gnomAD compares: African/African-American, 0.11%; no homozygotes.

Submissions (4):

Ambry Genetics
Classification: Uncertain significance for Inborn genetic diseases. Last evaluated: 2025-11-20. Review status: criteria provided, single submitter. Criteria: Ambry Variant Classification Scheme 2023. Collection method: clinical testing. Allele origin: germline.

Labcorp Genetics (formerly Invitae), Labcorp
Classification: Uncertain significance for Joubert syndrome 23; Short-rib thoracic dysplasia 14 with polydactyly. Last evaluated: 2025-10-06. Review status: criteria provided, single submitter. Criteria: Invitae Variant Classification Sherloc (09022015). Collection method: clinical testing. Allele origin: germline.
Comment: This sequence change replaces alanine, which is neutral and non-polar, with aspartic acid, which is acidic and polar, at codon 1071 of the KIAA0586 protein (p.Ala1071Asp). This variant is present in population databases (rs182274649, gnomAD 0.1%). This variant has not been reported in the literature in individuals affected with KIAA0586-related conditions. ClinVar contains an entry for this variant (Variation ID: 1021215). Invitae Evidence Modeling of protein sequence and biophysical properties (such as structural, functional, and spatial information, amino acid conservation, physicochemical variation, residue mobility, and thermodynamic stability) indicates that this missense variant is expected to disrupt KIAA0586 protein function with a positive predictive value of 80%. In summary, the available evidence is currently insufficient to determine the role of this variant in disease. Therefore, it has been classified as a Variant of Uncertain Significance.

PreventionGenetics, part of Exact Sciences
Classification: Uncertain significance for KIAA0586-related condition. Last evaluated: 2025-07-21. Review status: criteria provided, single submitter. Criteria: ACMG Guidelines, 2015. Collection method: clinical testing. Allele origin: germline.
Comment: The KIAA0586 c.3212C>A variant is predicted to result in the amino acid substitution p.Ala1071Asp. This variant has been reported in the compound heterozygous state in an individual with cardiac and urogenital anomalies, who also carried a de novo pathogenic variant in MYRF (Pinz et al. 2018. PubMed ID: 29446546). This variant is reported in 0.11% of alleles in individuals of African descent in gnomAD. Although we suspect that this variant may be benign, at this time, the clinical significance of this variant is uncertain due to the absence of conclusive functional and genetic evidence.

GeneDx
Classification: Uncertain significance. Last evaluated: 2025-02-21. Review status: criteria provided, single submitter. Criteria: GeneDx Variant Classification Process June 2021. Collection method: clinical testing. Allele origin: germline. Affected: yes.
Comment: In silico analysis supports that this missense variant has a deleterious effect on protein structure/function; Reported in an individual with a de novo variant in another gene which is felt to be the molecular explanation for the phenotypic findings (PMID: 29446546); This variant is associated with the following publications: (PMID: 29446546)

NM_001329943.3(KIAA0586):c.3053C>A (p.Ala1018Asp)

Gene: KIAA0586 (KIAA0586; plus strand). Cytogenetic location: 14q23.1.
Variant type: single nucleotide variant.
Coding change: c.3053C>A on transcript NM_001329943.3 (MANE Select); coding-DNA position 3053, C replaced by A.
Protein change: p.Ala1018Asp; replaces alanine 1018 with aspartic acid.
Molecular consequence: missense variant.
Genome position (GRCh38, 1-based): chr14:58,482,621, C>A. VCF-style: chr14-58482621-C-A. GRCh37 (hg19) VCF-style: chr14-58949339-C-A.
Other names: c.3212C>A, p.Ala1071Asp (NM_001244189.2); c.3008C>A, p.Ala1003Asp (NM_001244190.2); c.2798C>A, p.Ala933Asp (NM_001244191.2, NM_001329945.2, NM_001364700.1 and 1 more transcripts); c.2921C>A, p.Ala974Asp (NM_001244192.2); c.2633C>A, p.Ala878Asp (NM_001244193.2); c.3053C>A, p.Ala1018Asp (NM_001329944.2, NM_001329946.2, NM_001329947.2); c.2825C>A, p.Ala942Asp (NM_014749.5); c.2825C>A (NM_014749.3); short protein forms A1003D, A1018D, A1071D, A878D, A933D, A942D, A974D.
Identifiers: ClinVar variation 1021215 (VCV001021215.11), dbSNP rs182274649, ClinGen allele CA7206046.
Genomic context (GRCh38, chr14:58,482,621, plus strand): 5'-TTCCTGTGAACTCAAATGTGATTAAACATTTTGTTAACGAAGCTCTTGCTGAGACCATTG[C>A]TGTCATGCTGGGTGACAGAGAAGCAAAGAAGCAAGGTCCTGTTGCTACAGGTGTTTCTGG-3'
Protein context (NP_001316872.1, residues 1008-1028): FVNEALAETI[Ala1018Asp]VMLGDREAKK